The following is an entry in ClinVar:

ClinVar aggregate classification (germline): Uncertain significance (1 of 4 stars; one submission).

Conditions:
Severe combined immunodeficiency due to CORO1A deficiency. Also called: Immunodeficiency 8; IMMUNODEFICIENCY 8 WITH LYMPHOPROLIFERATION. Identifiers: Orphanet 228003, MedGen C3809383, MONDO:0014168, OMIM 615401.

Allele frequency attached by ClinVar (database versions not stated): ExAC 0.00002; gnomAD 0.00002; gnomAD exomes 0.00002; TOPMed 0.00003; ESP Exome Variant Server 0.00008.

Submission:

Labcorp Genetics (formerly Invitae), Labcorp
Classification: Uncertain significance for Severe combined immunodeficiency due to CORO1A deficiency. Last evaluated: 2022-05-23. Review status: criteria provided, single submitter. Criteria: Invitae Variant Classification Sherloc (09022015). Collection method: clinical testing. Allele origin: germline.
Comment: In summary, the available evidence is currently insufficient to determine the role of this variant in disease. Therefore, it has been classified as a Variant of Uncertain Significance. Algorithms developed to predict the effect of missense changes on protein structure and function output the following: SIFT: "Tolerated"; PolyPhen-2: "Benign"; Align-GVGD: "Class C0". The valine amino acid residue is found in multiple mammalian species, which suggests that this missense change does not adversely affect protein function. This variant has not been reported in the literature in individuals affected with CORO1A-related conditions. This variant is present in population databases (rs373022238, gnomAD 0.008%). This sequence change replaces alanine, which is neutral and non-polar, with valine, which is neutral and non-polar, at codon 74 of the CORO1A protein (p.Ala74Val).

NM_007074.4(CORO1A):c.221C>T (p.Ala74Val)

Gene: CORO1A (coronin 1A; plus strand). Cytogenetic location: 16p11.2.
Variant type: single nucleotide variant.
Coding change: c.221C>T on transcript NM_007074.4 (MANE Select); coding-DNA position 221, C replaced by T.
Protein change: p.Ala74Val; replaces alanine 74 with valine.
Molecular consequence: missense variant.
Genome position (GRCh38, 1-based): chr16:30,186,620, C>T. VCF-style: chr16-30186620-C-T. GRCh37 (hg19) VCF-style: chr16-30197941-C-T.
Other names: c.221C>T, p.Ala74Val (NM_001193333.3); short protein forms A74V.
Identifiers: ClinVar variation 1897564 (VCV001897564.4), dbSNP rs373022238, ClinGen allele CA8003060.